The following is an entry in ClinVar:

NM_000516.7(GNAS):c.1093del (p.Cys365fs)

Gene: GNAS (GNAS complex locus; plus strand). Cytogenetic location: 20q13.32.
Variant type: Deletion.
Coding change: c.1093del on transcript NM_000516.7 (MANE Select); coding-DNA position 1093, one base deleted (T; older notation c.1093delT).
Protein change: p.Cys365fs; shifts the reading frame from cysteine 365.
Molecular consequence: frameshift variant. On other transcripts: 3 prime UTR variant (2).
Genome position (GRCh38, 1-based): chr20:58,910,737, T deleted. VCF-style (leftmost placement, unchanged base first): chr20-58910736-CT-C. GRCh37 (hg19) VCF-style: chr20-57485791-CT-C.
Other names: c.1096del, p.Cys366fs (NM_001077488.5); c.1048del, p.Cys350fs (NM_001077489.4); c.*954del (NM_001077490.3); c.916del, p.Cys306fs (NM_001309840.2, NM_001309861.2); c.*999del (NM_016592.5); c.3022del, p.Cys1008fs (NM_080425.4); c.1051del, p.Cys351fs (NM_080426.4); short protein forms C1008fs, C351fs, C366fs, C365fs, C306fs, C350fs.
Identifiers: ClinVar variation 373111 (VCV000373111.2), dbSNP rs1057518224, ClinGen allele CA16043111.
Genomic context (GRCh38, chr20:58,910,736, plus strand): 5'-CCCGCAGAGGATCAGCACTGCCAGTGGAGATGGGCGTCACTACTGCTACCCTCATTTCAC[CT>C]GCGCTGTGGACACTGAGAACATCCGCCGTGTGTTCAACGACTGCCGTGACATCATTCAGC-3'

ClinVar aggregate classification (germline): Pathogenic (1 of 4 stars; one submission).

Submission:

GeneDx
Classification: Pathogenic. Last evaluated: 2016-11-23. Review status: criteria provided, single submitter. Criteria: GeneDx Variant Classification (06012015). Collection method: clinical testing. Allele origin: germline. Affected: yes.
Comment: The c.1093delT variant in the GNAS gene has not been reported previously as a pathogenic variant nor as a benign variant, to our knowledge. The c.1093delT variant causes a frameshift starting with codon Cysteine 365, changes this amino acid to an Alanine residue, and creates a premature Stop codon at position 39 of the new reading frame, denoted p.Cys365AlafsX39. This frameshift variant replaces the typical last 30 amino acid residues in the GNAS protein with 38 different amino acid residues. This change is expected to alter the normal structure and function of the resultant protein. The c.1093delT variant was not observed in approximately 6,500 individuals of European and African American ancestry in the NHLBI Exome Sequencing Project, indicating it is not a common benign variant in these populations. We interpret c.1093delT as a pathogenic variant.